The following is an entry in ClinVar:

NM_001013838.3(CARMIL2):c.3283C>G (p.Arg1095Gly)

Gene: CARMIL2 (capping protein regulator and myosin 1 linker 2; plus strand). Cytogenetic location: 16q22.1.
Variant type: single nucleotide variant.
Coding change: c.3283C>G on transcript NM_001013838.3 (MANE Select); coding-DNA position 3283, C replaced by G.
Protein change: p.Arg1095Gly; replaces arginine 1095 with glycine.
Molecular consequence: missense variant.
Genome position (GRCh38, 1-based): chr16:67,654,393, C>G. VCF-style: chr16-67654393-C-G. GRCh37 (hg19) VCF-style: chr16-67688296-C-G.
Other names: c.3175C>G, p.Arg1059Gly (NM_001317026.3); short protein forms R1059G, R1095G.
Identifiers: ClinVar variation 2007990 (VCV002007990.4), dbSNP rs1387570504, ClinGen allele CA396344410.

ClinVar aggregate classification (germline): Uncertain significance (1 of 4 stars; one submission).

Allele frequency attached by ClinVar (database versions not stated): gnomAD 0.00001; TOPMed 0.00001.
gnomAD v4.1: 2 of 1,608,568 alleles (0.00012%); highest among the groups gnomAD compares: African/African-American, 0.0027%; no homozygotes.

Submission:

Labcorp Genetics (formerly Invitae), Labcorp
Classification: Uncertain significance. Last evaluated: 2024-02-24. Review status: criteria provided, single submitter. Criteria: Invitae Variant Classification Sherloc (09022015). Collection method: clinical testing. Allele origin: germline.
Comment: This sequence change replaces arginine, which is basic and polar, with glycine, which is neutral and non-polar, at codon 1095 of the CARMIL2 protein (p.Arg1095Gly). This variant is present in population databases (no rsID available, gnomAD 0.01%). This variant has not been reported in the literature in individuals affected with CARMIL2-related conditions. ClinVar contains an entry for this variant (Variation ID: 2007990). Advanced modeling of protein sequence and biophysical properties (such as structural, functional, and spatial information, amino acid conservation, physicochemical variation, residue mobility, and thermodynamic stability) performed at Invitae indicates that this missense variant is not expected to disrupt CARMIL2 protein function with a negative predictive value of 80%. In summary, the available evidence is currently insufficient to determine the role of this variant in disease. Therefore, it has been classified as a Variant of Uncertain Significance.